The following is an entry in ClinVar:

NM_000059.4(BRCA2):c.4034del (p.Asp1345fs)

Gene: BRCA2 (BRCA2 DNA repair associated; plus strand). Cytogenetic location: 13q13.1.
Variant type: Deletion.
Coding change: c.4034del on transcript NM_000059.4 (MANE Select); coding-DNA position 4034, one base deleted (A; older notation c.4034delA).
Protein change: p.Asp1345fs; shifts the reading frame from aspartic acid 1345.
Molecular consequence: frameshift variant.
Genome position (GRCh38, 1-based): chr13:32,338,389, A deleted. VCF-style (leftmost placement, unchanged base first): chr13-32338388-GA-G. GRCh37 (hg19) VCF-style: chr13-32912525-GA-G.
Other names: c.4034delA, p.Asp1345Valfs (NM_001406719.1, NM_001406720.1); short protein forms D1345fs.
Identifiers: ClinVar variation 1737228 (VCV001737228.5), dbSNP rs2548527463, ClinGen allele CA2580087237.
Genomic context (GRCh38, chr13:32,338,388, plus strand): 5'-ACTGCTGCCAGTAGAAATTCTCATAACTTAGAATTTGATGGCAGTGATTCAAGTAAAAAT[GA>G]TACTGTTTGTATTCATAAAGATGAAACGGACTTGCTATTTACTGATCAGCACAACATATG-3'

ClinVar aggregate classification (germline): Pathogenic. Review status: criteria provided, multiple submitters, no conflicts (2 of 4 stars). 2 submissions from 2 submitters: Pathogenic (2). Last evaluated 2023-10-28.

Conditions:
Hereditary cancer-predisposing syndrome. Also called: Neoplastic Syndromes, Hereditary; Tumor predisposition; Hereditary Cancer Syndrome; Hereditary neoplastic syndrome. Identifiers: Orphanet 140162, MedGen C0027672, MeSH D009386, MONDO:0015356.
Hereditary breast ovarian cancer syndrome. Also called: Hereditary breast and ovarian cancer syndrome; Breast and ovarian cancer; Hereditary breast and/or ovarian cancer syndrome; Hereditary breast and ovarian cancer; BRCA1- and BRCA2-Associated Hereditary Breast and Ovarian Cancer; Hereditary breast and ovarian cancer syndrome (HBOC). Identifiers: Orphanet 145, MedGen C0677776, MeSH D061325, MONDO:0003582. Disease mechanism: loss of function.

Submissions (2):

Labcorp Genetics (formerly Invitae), Labcorp
Classification: Pathogenic for Hereditary breast ovarian cancer syndrome. Last evaluated: 2023-10-28. Review status: criteria provided, single submitter. Criteria: Invitae Variant Classification Sherloc (09022015). Collection method: clinical testing. Allele origin: germline.
Comment: This sequence change creates a premature translational stop signal (p.Asp1345Valfs*29) in the BRCA2 gene. It is expected to result in an absent or disrupted protein product. Loss-of-function variants in BRCA2 are known to be pathogenic (PMID: 20104584). This variant is not present in population databases (gnomAD no frequency). This variant has not been reported in the literature in individuals affected with BRCA2-related conditions. ClinVar contains an entry for this variant (Variation ID: 1737228). For these reasons, this variant has been classified as Pathogenic.

Ambry Genetics
Classification: Pathogenic for Hereditary cancer-predisposing syndrome. Last evaluated: 2022-10-28. Review status: criteria provided, single submitter. Criteria: Ambry Variant Classification Scheme 2023. Collection method: clinical testing. Allele origin: germline.
Comment: The c.4034delA pathogenic mutation, located in coding exon 10 of the BRCA2 gene, results from a deletion of one nucleotide at nucleotide position 4034, causing a translational frameshift with a predicted alternate stop codon (p.D1345Vfs*29). This variant is considered to be rare based on population cohorts in the Genome Aggregation Database (gnomAD). This alteration is expected to result in loss of function by premature protein truncation or nonsense-mediated mRNA decay. As such, this alteration is interpreted as a disease-causing mutation.

Literature cited by the submitters: PubMed 20104584 (cited by Labcorp Genetics (formerly Invitae), Labcorp).